The following is an entry in ClinVar:

NM_025207.5(FLAD1):c.1468C>T (p.Arg490Trp)

Gene: FLAD1 (flavin adenine dinucleotide synthetase 1; plus strand). Cytogenetic location: 1q21.3.
Variant type: single nucleotide variant.
Coding change: c.1468C>T on transcript NM_025207.5 (MANE Select); coding-DNA position 1468, C replaced by T.
Protein change: p.Arg490Trp; replaces arginine 490 with tryptophan.
Molecular consequence: missense variant.
Genome position (GRCh38, 1-based): chr1:154,990,442, C>T. VCF-style: chr1-154990442-C-T. GRCh37 (hg19) VCF-style: chr1-154962918-C-T.
Other names: c.1177C>T, p.Arg393Trp (NM_001184891.2, NM_201398.3); c.1468C>T (NM_025207.4); short protein forms R393W, R490W.
Identifiers: ClinVar variation 1485002 (VCV001485002.5), dbSNP rs1183049992, ClinGen allele CA342752690.

ClinVar aggregate classification (germline): Uncertain significance. Review status: criteria provided, multiple submitters, no conflicts (2 of 4 stars). 2 submissions from 2 submitters: Uncertain significance (2). Last evaluated 2021-10-20.

Conditions:
Inborn genetic diseases. Identifiers: MedGen C0950123, MeSH D030342.

Allele frequency attached by ClinVar (database versions not stated): gnomAD exomes below 0.00001; TOPMed below 0.00001; gnomAD 0.00001.
gnomAD v4.1: 8 of 1,614,056 alleles (0.0005%); highest among the groups gnomAD compares: South Asian, 0.0055%; no homozygotes.

Submissions (2):

Labcorp Genetics (formerly Invitae), Labcorp
Classification: Uncertain significance. Last evaluated: 2021-10-20. Review status: criteria provided, single submitter. Criteria: Invitae Variant Classification Sherloc (09022015). Collection method: clinical testing. Allele origin: germline.
Comment: In summary, the available evidence is currently insufficient to determine the role of this variant in disease. Therefore, it has been classified as a Variant of Uncertain Significance. Algorithms developed to predict the effect of missense changes on protein structure and function are either unavailable or do not agree on the potential impact of this missense change (SIFT: "Deleterious"; PolyPhen-2: "Probably Damaging"; Align-GVGD: "Class C0"). This variant has not been reported in the literature in individuals affected with FLAD1-related conditions. This variant is not present in population databases (ExAC no frequency). This sequence change replaces arginine with tryptophan at codon 490 of the FLAD1 protein (p.Arg490Trp). The arginine residue is moderately conserved and there is a moderate physicochemical difference between arginine and tryptophan.

Ambry Genetics
Classification: Uncertain significance for Inborn genetic diseases. Last evaluated: 2021-07-15. Review status: criteria provided, single submitter. Criteria: Ambry Variant Classification Scheme 2023. Collection method: clinical testing. Allele origin: germline.